The following is an entry in ClinVar:

NM_004036.5(ADCY3):c.3025C>T (p.Arg1009Cys)

Genes: ADCY3 (adenylate cyclase 3; minus strand), CENPO (centromere protein O; plus strand). Cytogenetic location: 2p23.3.
Variant type: single nucleotide variant.
Coding change: c.3025C>T on transcript NM_004036.5 (MANE Select); coding-DNA position 3025, C replaced by T.
Protein change: p.Arg1009Cys; replaces arginine 1009 with cysteine.
Molecular consequence: missense variant. On other transcripts: 3 prime UTR variant (3), non-coding transcript variant (3).
Genome position (GRCh38, 1-based): chr2:24,821,619, G>A on the plus strand (C>T on the coding strand, the complement: ADCY3 is on the minus strand). VCF-style: chr2-24821619-G-A. GRCh37 (hg19) VCF-style: chr2-25044488-G-A.
Other names: c.3028C>T, p.Arg1010Cys (NM_001320613.2); c.3091C>T, p.Arg1031Cys (NM_001377128.1); c.2887C>T, p.Arg963Cys (NM_001377129.1); c.2473C>T, p.Arg825Cys (NM_001377130.1); c.2302C>T, p.Arg768Cys (NM_001377131.1); c.3025C>T, p.Arg1009Cys (NM_001377132.1); c.*2301G>A (NM_001199803.3, NM_001322101.2, NM_024322.4); short protein forms R1009C, R1010C, R963C, R1031C, R768C, R825C.
Identifiers: ClinVar variation 4980849 (VCV004980849.1).
Genomic context (GRCh38, chr2:24,821,619, plus strand): 5'-TGGTGAGCGTATCCTTCATGGCCAGCGCGAAGTCGGCCAGGTCAGCCAGGTGCTGCCAGC[G>A]CTCTCTCTCGGACTTGTCTTCCTGTGCCAGGGGACCGTGGAGAAAGTGTCAGGGGCCGCT-3'
Protein context (NP_004027.2, residues 999-1019): SNKEDKSERE[Arg1009Cys]WQHLADLADF

ClinVar aggregate classification (germline): Uncertain significance (1 of 4 stars; one submission).

Conditions:
ADCY3-related disorder. Also called: ADCY3-related condition.

gnomAD v4.1: 13 of 1,613,934 alleles (0.00081%); highest among the groups gnomAD compares: South Asian, 0.0044%; no homozygotes.

Submission:

PreventionGenetics, part of Exact Sciences
Classification: Uncertain significance for ADCY3-related condition. Last evaluated: 2026-02-03. Review status: criteria provided, single submitter. Criteria: ACMG Guidelines, 2015. Collection method: clinical testing. Allele origin: germline.
Comment: The ADCY3 c.3028C>T variant is predicted to result in the amino acid substitution p.Arg1010Cys. To our knowledge, this variant has not been reported in the literature. This variant is reported in 0.0098% of alleles in individuals of South Asian descent in gnomAD. At this time, the clinical significance of this variant is uncertain due to the absence of conclusive functional and genetic evidence.